The following is an entry in ClinVar:

ClinVar aggregate classification (germline): Uncertain significance (1 of 4 stars; one submission).

gnomAD v4.1: 11 of 1,580,992 alleles (0.0007%); highest among the groups gnomAD compares: Non-Finnish European, 0.00078%; no homozygotes.

Submission:

Labcorp Genetics (formerly Invitae), Labcorp
Classification: Uncertain significance. Last evaluated: 2023-05-09. Review status: criteria provided, single submitter. Criteria: Invitae Variant Classification Sherloc (09022015). Collection method: clinical testing. Allele origin: germline.
Comment: In summary, the available evidence is currently insufficient to determine the role of this variant in disease. Therefore, it has been classified as a Variant of Uncertain Significance. An algorithm developed to predict the effect of missense changes on protein structure and function (PolyPhen-2) suggests that this variant is likely to be tolerated. This variant has not been reported in the literature in individuals affected with IMPG1-related conditions. This variant is not present in population databases (gnomAD no frequency). This sequence change replaces asparagine, which is neutral and polar, with lysine, which is basic and polar, at codon 191 of the IMPG1 protein (p.Asn191Lys).

NM_001563.4(IMPG1):c.573C>A (p.Asn191Lys)

Gene: IMPG1 (interphotoreceptor matrix proteoglycan 1; minus strand). Cytogenetic location: 6q14.1.
Variant type: single nucleotide variant.
Coding change: c.573C>A on transcript NM_001563.4 (MANE Select); coding-DNA position 573, C replaced by A.
Protein change: p.Asn191Lys; replaces asparagine 191 with lysine.
Molecular consequence: missense variant.
Genome position (GRCh38, 1-based): chr6:76,022,209, G>T on the plus strand (C>A on the coding strand, the complement: IMPG1 is on the minus strand). VCF-style: chr6-76022209-G-T. GRCh37 (hg19) VCF-style: chr6-76731926-G-T.
Other names: c.339C>A, p.Asn113Lys (NM_001282368.2); short protein forms N113K, N191K.
Identifiers: ClinVar variation 2985296 (VCV002985296.3), dbSNP rs200953805, ClinGen allele CA364779392.